The following is an entry in ClinVar:

ClinVar aggregate classification (germline): Uncertain significance (1 of 4 stars; one submission).

Allele frequency attached by ClinVar (database versions not stated): gnomAD exomes 0.00001.
gnomAD v4.1: 5 of 1,613,318 alleles (0.00031%); highest among the groups gnomAD compares: Non-Finnish European, 0.00042%; no homozygotes.

Submission:

Labcorp Genetics (formerly Invitae), Labcorp
Classification: Uncertain significance. Last evaluated: 2021-01-20. Review status: criteria provided, single submitter. Criteria: Invitae Variant Classification Sherloc (09022015). Collection method: clinical testing. Allele origin: germline.
Comment: In summary, the available evidence is currently insufficient to determine the role of this variant in disease. Therefore, it has been classified as a Variant of Uncertain Significance. Experimental studies and prediction algorithms are not available or were not evaluated, and the functional significance of this variant is currently unknown. This variant has not been reported in the literature in individuals with KIZ-related conditions. This variant is not present in population databases (ExAC no frequency). This sequence change replaces serine with leucine at codon 326 of the KIZ protein (p.Ser326Leu). The serine residue is moderately conserved and there is a large physicochemical difference between serine and leucine.

NM_018474.6(KIZ):c.977C>T (p.Ser326Leu)

Gene: KIZ (kizuna centrosomal protein; plus strand). Cytogenetic location: 20p11.23.
Variant type: single nucleotide variant.
Coding change: c.977C>T on transcript NM_018474.6 (MANE Select); coding-DNA position 977, C replaced by T.
Protein change: p.Ser326Leu; replaces serine 326 with leucine.
Molecular consequence: missense variant.
Genome position (GRCh38, 1-based): chr20:21,162,442, C>T. VCF-style: chr20-21162442-C-T. GRCh37 (hg19) VCF-style: chr20-21143083-C-T.
Other names: c.668C>T, p.Ser223Leu (NM_001163022.3, NM_001352435.2); c.578C>T, p.Ser193Leu (NM_001163023.3); c.830C>T, p.Ser277Leu (NM_001276389.2); c.977C>T, p.Ser326Leu (NM_001352434.2); c.635C>T, p.Ser212Leu (NM_001352436.2); short protein forms S277L, S212L, S223L, S326L, S193L.
Identifiers: ClinVar variation 1478976 (VCV001478976.6), dbSNP rs1358081303, ClinGen allele CA408493131.